The following is an entry in ClinVar:

NM_000038.6(APC):c.6874A>G (p.Ile2292Val)

Gene: APC (APC regulator of Wnt signaling pathway; plus strand). Cytogenetic location: 5q22.2.
Variant type: single nucleotide variant.
Coding change: c.6874A>G on transcript NM_000038.6 (MANE Select); coding-DNA position 6874, A replaced by G.
Protein change: p.Ile2292Val; replaces isoleucine 2292 with valine.
Molecular consequence: missense variant. On other transcripts: non-coding transcript variant (2).
Genome position (GRCh38, 1-based): chr5:112,842,468, A>G. VCF-style: chr5-112842468-A-G. GRCh37 (hg19) VCF-style: chr5-112178165-A-G.
Other names: c.6874A>G, p.Ile2292Val (NM_001127510.3, NM_001354895.2, NM_001407450.1); c.6820A>G, p.Ile2274Val (NM_001127511.3); c.6928A>G, p.Ile2310Val (NM_001354896.2, NM_001407447.1, NM_001407448.1 and 1 more transcripts); c.6904A>G, p.Ile2302Val (NM_001354897.2); c.6799A>G, p.Ile2267Val (NM_001354898.2); c.6790A>G, p.Ile2264Val (NM_001354899.2); c.6751A>G, p.Ile2251Val (NM_001354900.2); c.6697A>G, p.Ile2233Val (NM_001354901.2, NM_001407453.1); and 11 more; short protein forms I2132V, I2163V, I2166V, I2251V, I2274V, I2201V, I2009V, I2302V.
Identifiers: ClinVar variation 3670936 (VCV003670936.2).

ClinVar aggregate classification (germline): Uncertain significance (1 of 4 stars; one submission).

Conditions:
Familial adenomatous polyposis 1 (FAP1). Also called: FAMILIAL ADENOMATOUS POLYPOSIS 1, ATTENUATED; POLYPOSIS, ADENOMATOUS INTESTINAL. Identifiers: MedGen C2713442, MONDO:0021056, OMIM 175100. Disease mechanism: loss of function.

Submission:

Labcorp Genetics (formerly Invitae), Labcorp
Classification: Uncertain significance for Familial adenomatous polyposis 1. Last evaluated: 2024-10-02. Review status: criteria provided, single submitter. Criteria: Invitae Variant Classification Sherloc (09022015). Collection method: clinical testing. Allele origin: germline.
Comment: This sequence change replaces isoleucine, which is neutral and non-polar, with valine, which is neutral and non-polar, at codon 2292 of the APC protein (p.Ile2292Val). This variant is not present in population databases (gnomAD no frequency). This variant has not been reported in the literature in individuals affected with APC-related conditions. Invitae Evidence Modeling of protein sequence and biophysical properties (such as structural, functional, and spatial information, amino acid conservation, physicochemical variation, residue mobility, and thermodynamic stability) indicates that this missense variant is not expected to disrupt APC protein function with a negative predictive value of 95%. In summary, the available evidence is currently insufficient to determine the role of this variant in disease. Therefore, it has been classified as a Variant of Uncertain Significance.